The following is an entry in ClinVar:

NM_000829.4(GRIA4):c.2295-5914A>C

Gene: GRIA4 (glutamate ionotropic receptor AMPA type subunit 4; plus strand). Cytogenetic location: 11q22.3.
Variant type: single nucleotide variant.
Coding change: c.2295-5914A>C on transcript NM_000829.4 (MANE Select); 5914 bases into the intron before coding-DNA position 2295, A replaced by C.
Molecular consequence: intron variant. On other transcripts: missense variant (1).
Genome position (GRCh38, 1-based): chr11:105,966,000, A>C. VCF-style: chr11-105966000-A-C. GRCh37 (hg19) VCF-style: chr11-105836727-A-C.
Other names: c.2348A>C, p.Lys783Thr (NM_001077243.3); short protein forms K783T.
Identifiers: ClinVar variation 3600876 (VCV003600876.1).

ClinVar aggregate classification (germline): Uncertain significance (1 of 4 stars; one submission).

Submission:

GeneDx
Classification: Uncertain significance. Last evaluated: 2024-07-24. Review status: criteria provided, single submitter. Criteria: GeneDx Variant Classification Process June 2021. Collection method: clinical testing. Allele origin: germline. Affected: yes.
Comment: Not observed at significant frequency in large population cohorts (gnomAD); In silico analysis supports that this missense variant has a deleterious effect on protein structure/function; Has not been previously published as pathogenic or benign to our knowledge; Reported using an alternate transcript of the gene